The following is an entry in ClinVar:

ClinVar aggregate classification (germline): Uncertain significance. Review status: criteria provided, multiple submitters, no conflicts (2 of 4 stars). 2 submissions from 2 submitters: Uncertain significance (2). Last evaluated 2025-11-01.

Allele frequency attached by ClinVar (database versions not stated): gnomAD exomes 0.00001; TOPMed 0.00001; ExAC 0.00002.
gnomAD v4.1: 21 of 1,613,748 alleles (0.0013%); highest among the groups gnomAD compares: Admixed American, 0.0033%; no homozygotes.

Submissions (2):

CeGaT Center for Human Genetics Tuebingen
Classification: Uncertain significance. Last evaluated: 2025-11-01. Review status: criteria provided, single submitter. Criteria: CeGaT Center For Human Genetics Tuebingen Variant Classification Criteria Version 2. Collection method: clinical testing. Allele origin: germline. Affected: yes. Observed: 6 variant alleles.
Comment: TTN: PM2, BP4

Revvity Omics, Revvity
Classification: Uncertain significance. Last evaluated: 2024-01-30. Review status: criteria provided, single submitter. Criteria: ACMG Guidelines, 2015. Collection method: clinical testing. Allele origin: germline.

NM_001267550.2(TTN):c.86198C>G (p.Ala28733Gly)

Genes: TTN (titin; minus strand), TTN-AS1 (TTN antisense RNA 1; plus strand). Cytogenetic location: 2q31.2.
Variant type: single nucleotide variant.
Coding change: c.86198C>G on transcript NM_001267550.2 (MANE Select); coding-DNA position 86198, C replaced by G.
Protein change: p.Ala28733Gly; replaces alanine 28733 with glycine.
Molecular consequence: missense variant.
Genome position (GRCh38, 1-based): chr2:178,559,934, G>C on the plus strand (C>G on the coding strand, the complement: TTN is on the minus strand). VCF-style: chr2-178559934-G-C. GRCh37 (hg19) VCF-style: chr2-179424661-G-C.
Other names: c.81275C>G, p.Ala27092Gly (NM_001256850.1); c.59003C>G, p.Ala19668Gly (NM_003319.4); c.78494C>G, p.Ala26165Gly (NM_133378.4); c.59378C>G, p.Ala19793Gly (NM_133432.3); c.59579C>G, p.Ala19860Gly (NM_133437.4); short protein forms A19668G, A19793G, A19860G, A26165G, A27092G, A28733G.
Identifiers: ClinVar variation 2651600 (VCV002651600.25), dbSNP rs776120734, ClinGen allele CA1988536.